The following is an entry in ClinVar:

ClinVar aggregate classification (germline): Uncertain significance (1 of 4 stars; one submission).

Conditions:
FGFR2-related craniosynostosis. Identifiers: MedGen CN231480.

Submission:

Labcorp Genetics (formerly Invitae), Labcorp
Classification: Uncertain significance for FGFR2-related craniosynostosis. Last evaluated: 2025-08-10. Review status: criteria provided, single submitter. Criteria: Invitae Variant Classification Sherloc (09022015). Collection method: clinical testing. Allele origin: germline.
Comment: This sequence change replaces asparagine, which is neutral and polar, with isoleucine, which is neutral and non-polar, at codon 549 of the FGFR2 protein (p.Asn549Ile). This variant is not present in population databases (gnomAD no frequency). This variant has not been reported in the literature in individuals affected with FGFR2-related conditions. Invitae Evidence Modeling of protein sequence and biophysical properties (such as structural, functional, and spatial information, amino acid conservation, physicochemical variation, residue mobility, and thermodynamic stability) indicates that this missense variant is expected to disrupt FGFR2 protein function with a positive predictive value of 80%. This variant disrupts the p.Asn549 amino acid residue in FGFR2. Other variant(s) that disrupt this residue have been determined to be pathogenic (PMID: 11781872, 12357470, 16418739). This suggests that this residue is clinically significant, and that variants that disrupt this residue are likely to be disease-causing. In summary, the available evidence is currently insufficient to determine the role of this variant in disease. Therefore, it has been classified as a Variant of Uncertain Significance.

Literature cited by the submitters: PubMed 11781872; PubMed 12357470; PubMed 16418739.

NM_000141.5(FGFR2):c.1646A>T (p.Asn549Ile)

Gene: FGFR2 (fibroblast growth factor receptor 2; minus strand). Cytogenetic location: 10q26.13.
Variant type: single nucleotide variant.
Coding change: c.1646A>T on transcript NM_000141.5 (MANE Select); coding-DNA position 1646, A replaced by T.
Protein change: p.Asn549Ile; replaces asparagine 549 with isoleucine.
Molecular consequence: missense variant. On other transcripts: non-coding transcript variant (1).
Genome position (GRCh38, 1-based): chr10:121,498,521, T>A on the plus strand (A>T on the coding strand, the complement: FGFR2 is on the minus strand). VCF-style: chr10-121498521-T-A. GRCh37 (hg19) VCF-style: chr10-123258035-T-A.
Other names: c.1649A>T, p.Asn550Ile (NM_001144913.1, NM_022970.4); c.1310A>T, p.Asn437Ile (NM_001144914.1); c.1379A>T, p.Asn460Ile (NM_001144915.2, NM_023029.3); c.1301A>T, p.Asn434Ile (NM_001144916.2, NM_001441090.1); c.1298A>T, p.Asn433Ile (NM_001144917.2); c.1295A>T, p.Asn432Ile (NM_001144918.2, NM_001441091.1); c.1382A>T, p.Asn461Ile (NM_001144919.2); c.962A>T, p.Asn321Ile (NM_001320654.2); and 4 more; short protein forms N321I, N432I, N433I, N434I, N437I, N458I, N459I, N460I.
Identifiers: ClinVar variation 4804398 (VCV004804398.1).